The following is an entry in ClinVar:

NC_000008.10:g.(?_100025484)_(100026173_?)del

Gene: VPS13B (vacuolar protein sorting 13 homolog B; plus strand). Cytogenetic location: 8q22.2.
Variant type: Deletion.
Identifiers: ClinVar variation 2426374 (VCV002426374.4).

ClinVar aggregate classification (germline): Pathogenic (1 of 4 stars; one submission).

Conditions:
Cohen syndrome (COH1). Also called: Cutis verticis gyrata, retinitis pigmentosa, and sensorineural deafness; PEPPER SYNDROME. Identifiers: Orphanet 193, MedGen C0265223, MONDO:0008999, OMIM 216550.

Submission:

Labcorp Genetics (formerly Invitae), Labcorp
Classification: Pathogenic for Cohen syndrome. Last evaluated: 2022-01-01. Review status: criteria provided, single submitter. Criteria: Invitae Variant Classification Sherloc (09022015). Collection method: clinical testing. Allele origin: germline.
Comment: For these reasons, this variant has been classified as Pathogenic. This variant has not been reported in the literature in individuals affected with VPS13B-related conditions. This variant is a gross deletion of the genomic region encompassing exon(s) 1-2 of the VPS13B gene, which includes the initiator codon. This deletion extends beyond the assayed region for this gene and therefore may encompass additional genes. It is expected to result in an absent or disrupted protein product. Loss-of-function variants in VPS13B are known to be pathogenic (PMID: 15141358, 16648375, 20461111).

Literature cited by the submitters: PubMed 15141358; PubMed 16648375; PubMed 20461111.